The following is an entry in ClinVar:

ClinVar aggregate classification (germline): Likely pathogenic (1 of 4 stars; one submission).

Conditions:
Skraban-Deardorff syndrome. Also called: INTELLECTUAL DISABILITY WITH SEIZURES, ABNORMAL GAIT, AND DISTINCTIVE FACIAL FEATURES; WDR26-Related Intellectual Disability. Identifiers: Orphanet 513456, MedGen C4539927, MONDO:0054636, OMIM 617616.

Allele frequency attached by ClinVar (database versions not stated): gnomAD exomes below 0.00001.
gnomAD v4.1: 1 of 1,613,880 alleles (0.000062%); highest among the groups gnomAD compares: Non-Finnish European, 0.000085%; no homozygotes.

Submission:

Center for Medical Genetics Ghent, University of Ghent
Classification: Likely pathogenic for Skraban-Deardorff syndrome. Last evaluated: 2020-10-10. Review status: criteria provided, single submitter. Criteria: ACMG Guidelines, 2015. Collection method: clinical testing. Allele origin: de novo. Inheritance: Sporadic. Affected: yes. Observed: 1 heterozygote.
Comment: PM2,PP3,PP2, PS2 (moderate)

NM_001379403.1(WDR26):c.1829G>A (p.Arg610Gln)

Gene: WDR26 (WD repeat domain 26; minus strand). Cytogenetic location: 1q42.11.
Variant type: single nucleotide variant.
Coding change: c.1829G>A on transcript NM_001379403.1 (MANE Select); coding-DNA position 1829, G replaced by A.
Protein change: p.Arg610Gln; replaces arginine 610 with glutamine.
Molecular consequence: missense variant.
Genome position (GRCh38, 1-based): chr1:224,398,925, C>T on the plus strand (G>A on the coding strand, the complement: WDR26 is on the minus strand). VCF-style: chr1-224398925-C-T. GRCh37 (hg19) VCF-style: chr1-224586627-C-T.
Other names: c.1481G>A, p.Arg494Gln (NM_001115113.3); c.1529G>A, p.Arg510Gln (NM_025160.7); short protein forms R494Q, R510Q, R610Q.
Identifiers: ClinVar variation 983152 (VCV000983152.2), dbSNP rs1673333616, ClinGen allele CA344747116.